The following is an entry in ClinVar:

NM_001080.3(ALDH5A1):c.1289A>G (p.Gln430Arg)

Gene: ALDH5A1 (aldehyde dehydrogenase 5 family member A1; plus strand). Cytogenetic location: 6p22.3.
Variant type: single nucleotide variant.
Coding change: c.1289A>G on transcript NM_001080.3 (MANE Select); coding-DNA position 1289, A replaced by G.
Protein change: p.Gln430Arg; replaces glutamine 430 with arginine.
Molecular consequence: missense variant.
Genome position (GRCh38, 1-based): chr6:24,528,112, A>G. VCF-style: chr6-24528112-A-G. GRCh37 (hg19) VCF-style: chr6-24528340-A-G.
Other names: c.1145A>G, p.Gln382Arg (NM_001368954.1); c.1328A>G, p.Gln443Arg (NM_170740.1); short protein forms Q443R, Q382R, Q430R.
Identifiers: ClinVar variation 2143391 (VCV002143391.1), dbSNP rs374262919, ClinGen allele CA136139418.

ClinVar aggregate classification (germline): Uncertain significance (1 of 4 stars; one submission).

Conditions:
Succinate-semialdehyde dehydrogenase deficiency (SSADHD). Also called: GABA METABOLIC DEFECT; SSADH DEFICIENCY; Succinic Semialdehyde Dehydrogenase Deficiency; 4-HYDROXYBUTYRIC ACIDURIA. Identifiers: Orphanet 22, MedGen C0268631, MONDO:0010083, OMIM 271980.

Allele frequency attached by ClinVar (database versions not stated): ESP Exome Variant Server 0.00008.
gnomAD v4.1: 1 of 1,614,132 alleles (0.000062%); no homozygotes.

Submission:

Labcorp Genetics (formerly Invitae), Labcorp
Classification: Uncertain significance for Succinate-semialdehyde dehydrogenase deficiency. Last evaluated: 2022-08-16. Review status: criteria provided, single submitter. Criteria: Invitae Variant Classification Sherloc (09022015). Collection method: clinical testing. Allele origin: germline.
Comment: This sequence change replaces glutamine, which is neutral and polar, with arginine, which is basic and polar, at codon 430 of the ALDH5A1 protein (p.Gln430Arg). This variant is not present in population databases (gnomAD no frequency). This variant has not been reported in the literature in individuals affected with ALDH5A1-related conditions. Advanced modeling of protein sequence and biophysical properties (such as structural, functional, and spatial information, amino acid conservation, physicochemical variation, residue mobility, and thermodynamic stability) performed at Invitae indicates that this missense variant is not expected to disrupt ALDH5A1 protein function. In summary, the available evidence is currently insufficient to determine the role of this variant in disease. Therefore, it has been classified as a Variant of Uncertain Significance.